The following is an entry in ClinVar:

ClinVar aggregate classification (germline): Uncertain significance (1 of 4 stars; one submission).

Submission:

Labcorp Genetics (formerly Invitae), Labcorp
Classification: Uncertain significance. Last evaluated: 2021-12-24. Review status: criteria provided, single submitter. Criteria: Invitae Variant Classification Sherloc (09022015). Collection method: clinical testing. Allele origin: germline.
Comment: This sequence change replaces alanine, which is neutral and non-polar, with glycine, which is neutral and non-polar, at codon 232 of the GRM6 protein (p.Ala232Gly). This variant is present in population databases (no rsID available, gnomAD 0.002%). This variant has not been reported in the literature in individuals affected with GRM6-related conditions. Algorithms developed to predict the effect of missense changes on protein structure and function are either unavailable or do not agree on the potential impact of this missense change (SIFT: "Deleterious"; PolyPhen-2: "Possibly Damaging"; Align-GVGD: "Class C0"). In summary, the available evidence is currently insufficient to determine the role of this variant in disease. Therefore, it has been classified as a Variant of Uncertain Significance.

NM_000843.4(GRM6):c.695C>G (p.Ala232Gly)

Gene: GRM6 (glutamate metabotropic receptor 6; minus strand). Cytogenetic location: 5q35.3.
Variant type: single nucleotide variant.
Coding change: c.695C>G on transcript NM_000843.4 (MANE Select); coding-DNA position 695, C replaced by G.
Protein change: p.Ala232Gly; replaces alanine 232 with glycine.
Molecular consequence: missense variant.
Genome position (GRCh38, 1-based): chr5:178,991,893, G>C on the plus strand (C>G on the coding strand, the complement: GRM6 is on the minus strand). VCF-style: chr5-178991893-G-C. GRCh37 (hg19) VCF-style: chr5-178418894-G-C.
Other names: short protein forms A232G.
Identifiers: ClinVar variation 1954871 (VCV001954871.2), dbSNP rs763238535, ClinGen allele CA362433796.